The following is an entry in ClinVar:

NM_000023.4(SGCA):c.587_590dup (p.Lys199fs)

Gene: SGCA (sarcoglycan alpha; plus strand). Cytogenetic location: 17q21.33.
Variant type: Microsatellite.
Coding change: c.587_590dup on transcript NM_000023.4 (MANE Select); coding-DNA positions 587 to 590, 4 bases duplicated (TATA; older notation c.587_590dupTATA).
Protein change: p.Lys199fs; shifts the reading frame from lysine 199.
Molecular consequence: frameshift variant. On other transcripts: non-coding transcript variant (1), intron variant (1).
Genome position (GRCh38, 1-based): chr17:50,169,094-50,169,097, TATA duplicated. VCF-style (leftmost placement, unchanged base first): chr17-50169093-G-GTATA. GRCh37 (hg19) VCF-style: chr17-48246454-G-GTATA.
Other names: c.584+522TA[4] (NM_001135697.3); short protein forms K199fs.
Identifiers: ClinVar variation 4817865 (VCV004817865.1).

ClinVar aggregate classification (germline): Likely pathogenic (1 of 4 stars; one submission).

Conditions:
Autosomal recessive limb-girdle muscular dystrophy type 2D (LGMDR3). Also called: ADHALINOPATHY, PRIMARY; DUCHENNE-LIKE AUTOSOMAL RECESSIVE MUSCULAR DYSTROPHY, TYPE 2; MUSCULAR DYSTROPHY, LIMB-GIRDLE, AUTOSOMAL RECESSIVE 3. Identifiers: Orphanet 62, MedGen C2936332, MONDO:0011968, OMIM 608099. Disease mechanism: Affects gamma-sarcoglycan and also disrupts the integrity of the entire sarcoglycan complex..

Submission:

Natera, Inc.
Classification: Likely pathogenic for Limb-girdle muscular dystrophy type 2D. Last evaluated: 2025-06-09. Review status: criteria provided, single submitter. Criteria: Natera Variant Classification Schema (03/2026). Collection method: clinical testing. Allele origin: germline.
Comment: The c.587_590dup variant in SGCA is a frameshift variant predicted to shift the reading frame beginning at codon 199 and leads to a stop codon 2 codons downstream. This variant is expected to result in nonsense mediated decay, truncation, or a dysfunctional protein product. This variant is rare in the general population with a frequency below the threshold expected for the associated phenotype(s). Given the available evidence, this variant is classified as Likely Pathogenic.